The following is an entry in ClinVar:

NM_000291.4(PGK1):c.811T>G (p.Ser271Ala)

Gene: PGK1 (phosphoglycerate kinase 1; plus strand). Cytogenetic location: Xq21.1.
Variant type: single nucleotide variant.
Coding change: c.811T>G on transcript NM_000291.4 (MANE Select); coding-DNA position 811, T replaced by G.
Protein change: p.Ser271Ala; replaces serine 271 with alanine.
Molecular consequence: missense variant.
Genome position (GRCh38, 1-based): chrX:78,123,249, T>G. VCF-style: chrX-78123249-T-G. GRCh37 (hg19) VCF-style: chrX-77378746-T-G.
Other names: short protein forms S271A.
Identifiers: ClinVar variation 3640806 (VCV003640806.2).

ClinVar aggregate classification (germline): Uncertain significance (1 of 4 stars; one submission).

Submission:

Labcorp Genetics (formerly Invitae), Labcorp
Classification: Uncertain significance. Last evaluated: 2024-09-05. Review status: criteria provided, single submitter. Criteria: Invitae Variant Classification Sherloc (09022015). Collection method: clinical testing. Allele origin: germline.
Comment: This sequence change replaces serine, which is neutral and polar, with alanine, which is neutral and non-polar, at codon 271 of the PGK1 protein (p.Ser271Ala). This variant is not present in population databases (gnomAD no frequency). This variant has not been reported in the literature in individuals affected with PGK1-related conditions. Invitae Evidence Modeling of protein sequence and biophysical properties (such as structural, functional, and spatial information, amino acid conservation, physicochemical variation, residue mobility, and thermodynamic stability) indicates that this missense variant is not expected to disrupt PGK1 protein function with a negative predictive value of 80%. In summary, the available evidence is currently insufficient to determine the role of this variant in disease. Therefore, it has been classified as a Variant of Uncertain Significance.